The following is an entry in ClinVar:

NM_007294.4(BRCA1):c.5467+18A>T

Gene: BRCA1 (BRCA1 DNA repair associated; minus strand). Cytogenetic location: 17q21.31.
Variant type: single nucleotide variant.
Coding change: c.5467+18A>T on transcript NM_007294.4 (MANE Select); 18 bases into the intron after coding-DNA position 5467, A replaced by T.
Molecular consequence: intron variant.
Genome position (GRCh38, 1-based): chr17:43,047,625, T>A on the plus strand (A>T on the coding strand, the complement: BRCA1 is on the minus strand). VCF-style: chr17-43047625-T-A. GRCh37 (hg19) VCF-style: chr17-41199642-T-A.
Other names: c.2014+18A>T (NM_001408458.1, NM_001408461.1, NM_001408464.1 and 7 more transcripts); c.4576+18A>T (NM_001407967.1); c.5086+18A>T (NM_001407959.1); c.5200+18A>T (NM_001407931.1, NM_001407932.1, NM_001407928.1 and 4 more transcripts); c.5323+18A>T (NM_001407747.1, NM_001407745.1, NM_001407737.1 and 18 more transcripts); c.5083+18A>T (NM_001407962.1, NM_001407960.1); c.1654+18A>T (NM_001408512.1); c.1777+18A>T (NM_001408510.1); and 83 more.
Identifiers: ClinVar variation 867555 (VCV000867555.3), dbSNP rs2050971894, ClinGen allele CA916080740.

Conditions:
Breast-ovarian cancer, familial, susceptibility to, 1 (BROVCA1). Also called: BRCA1 Hereditary Breast and Ovarian Cancer; OVARIAN CANCER, SUSCEPTIBILITY TO. Identifiers: Orphanet 145, MedGen C2676676, MONDO:0011450, OMIM 604370. Disease mechanism: loss of function.

Submission:

Brotman Baty Institute, University of Washington
No classification provided (evidence only). Condition: Breast-ovarian cancer, familial 1. Review status: no classification provided. Collection method: in vitro. Allele origin: not applicable. Functional consequence: functionally_normal.
ClinVar note: "not provided" was previously submitted as the classification for the variant. However, the classification appeared to be based only on an observation of functional data so it was converted to no classification on 2025-07-30.